The following is an entry in ClinVar:

ClinVar aggregate classification (germline): Uncertain significance. Review status: criteria provided, multiple submitters, no conflicts (2 of 4 stars). 2 submissions from 2 submitters: Uncertain significance (2). Last evaluated 2022-08-22.

Conditions:
Breast-ovarian cancer, familial, susceptibility to, 4. Identifiers: Orphanet 145, MedGen C3280345, MONDO:0013669, OMIM 614291.

Submissions (2):

Labcorp Genetics (formerly Invitae), Labcorp
Classification: Uncertain significance for Breast-ovarian cancer, familial, susceptibility to, 4. Last evaluated: 2022-08-22. Review status: criteria provided, single submitter. Criteria: Invitae Variant Classification Sherloc (09022015). Collection method: clinical testing. Allele origin: germline.
Comment: This sequence change replaces phenylalanine, which is neutral and non-polar, with serine, which is neutral and polar, at codon 176 of the RAD51D protein (p.Phe176Ser). This variant is not present in population databases (gnomAD no frequency). This variant has not been reported in the literature in individuals affected with RAD51D-related conditions. ClinVar contains an entry for this variant (Variation ID: 419859). Algorithms developed to predict the effect of missense changes on protein structure and function are either unavailable or do not agree on the potential impact of this missense change (SIFT: "Tolerated"; PolyPhen-2: "Possibly Damaging"; Align-GVGD: "Class C0"). In summary, the available evidence is currently insufficient to determine the role of this variant in disease. Therefore, it has been classified as a Variant of Uncertain Significance.

GeneDx
Classification: Uncertain significance. Last evaluated: 2015-09-22. Review status: criteria provided, single submitter. Criteria: GeneDx Variant Classification (06012015). Collection method: clinical testing. Allele origin: germline. Affected: yes.
Comment: This variant is denoted RAD51D c.527T>C at the cDNA level, p.Phe176Ser (F176S) at the protein level, and results in the change of a Phenylalanine to a Serine (TTC>TCC). This variant has not, to our knowledge, been published in the literature as pathogenic or benign. RAD51D Phe176Ser was not observed in approximately 6,500 individuals of European and African American ancestry in the NHLBI Exome Sequencing Project, indicating it is not a common benign variant in these populations. Since Phenylalanine and Serine differ in polarity, charge, size or other properties, this is considered a non-conservative amino acid substitution. RAD51D Phe176Ser occurs at a position that is conserved across species and is located in the ATPase domain (Kim 2011, UniProt). In silico analyses are inconsistent regarding the effect this variant may have on protein structure and function. Based on currently available information, it is unclear whether RAD51D Phe176Ser is pathogenic or benign. We consider it to be a variant of uncertain significance.

NM_002878.4(RAD51D):c.527T>C (p.Phe176Ser)

Genes: RAD51D (RAD51 paralog D; minus strand), RAD51L3-RFFL (RAD51L3-RFFL readthrough; minus strand). Cytogenetic location: 17q12.
Variant type: single nucleotide variant.
Coding change: c.527T>C on transcript NM_002878.4 (MANE Select); coding-DNA position 527, T replaced by C.
Protein change: p.Phe176Ser; replaces phenylalanine 176 with serine.
Molecular consequence: missense variant. On other transcripts: non-coding transcript variant (3).
Genome position (GRCh38, 1-based): chr17:35,106,435, A>G on the plus strand (T>C on the coding strand, the complement: RAD51D is on the minus strand). VCF-style: chr17-35106435-A-G. GRCh37 (hg19) VCF-style: chr17-33433454-A-G.
Other names: c.587T>C, p.Phe196Ser (NM_001142571.2); c.191T>C, p.Phe64Ser (NM_133629.3); short protein forms F176S, F196S, F64S.
Identifiers: ClinVar variation 419859 (VCV000419859.7), dbSNP rs1064794153, ClinGen allele CA16620386.